The following is an entry in ClinVar:

ClinVar aggregate classification (germline): Uncertain significance (1 of 4 stars; one submission).

Conditions:
Hereditary sensory and autonomic neuropathy type 6. Also called: HSAN VI; Neuropathy, hereditary sensory and autonomic, type VI. Identifiers: Orphanet 314381, MedGen C3539003, MONDO:0013839, OMIM 614653.
Epidermolysis bullosa simplex 3, localized or generalized intermediate, with BP230 deficiency (EBS3). Also called: Epidermolysis bullosa simplex due to BP230 deficiency; Epidermolysis bullosa simplex, autosomal recessive 2. Identifiers: Orphanet 412181, MedGen C3809470, MONDO:0014180, OMIM 615425.

Allele frequency attached by ClinVar (database versions not stated): TOPMed below 0.00001; gnomAD exomes 0.00001.
gnomAD v4.1: 15 of 1,610,736 alleles (0.00093%); highest among the groups gnomAD compares: Admixed American, 0.0017%; no homozygotes.

Submission:

Labcorp Genetics (formerly Invitae), Labcorp
Classification: Uncertain significance for Epidermolysis bullosa simplex 3, localized or generalized intermediate, with BP230 deficiency; Hereditary sensory and autonomic neuropathy type 6. Last evaluated: 2022-04-26. Review status: criteria provided, single submitter. Criteria: Invitae Variant Classification Sherloc (09022015). Collection method: clinical testing. Allele origin: germline.
Comment: This variant has not been reported in the literature in individuals affected with DST-related conditions. In summary, the available evidence is currently insufficient to determine the role of this variant in disease. Therefore, it has been classified as a Variant of Uncertain Significance. Experimental studies and prediction algorithms are not available or were not evaluated, and the effect of this variant on mRNA splicing is currently unknown. This variant is present in population databases (no rsID available, gnomAD 0.0009%). This sequence change falls in intron 77 of the DST gene. It does not directly change the encoded amino acid sequence of the DST protein. The DST gene has multiple clinically relevant transcripts. This variant occurs in alternate transcript NM_015548.4, and corresponds to NM_001723.5:c.*145408T>C in the primary transcript.

NM_001374736.1(DST):c.22476+19T>C

Gene: DST (dystonin; minus strand). Cytogenetic location: 6p12.1.
Variant type: single nucleotide variant.
Coding change: c.22476+19T>C on transcript NM_001374736.1 (MANE Select); 19 bases into the intron after coding-DNA position 22476, T replaced by C.
Molecular consequence: intron variant.
Genome position (GRCh38, 1-based): chr6:56,470,109, A>G on the plus strand (T>C on the coding strand, the complement: DST is on the minus strand). VCF-style: chr6-56470109-A-G. GRCh37 (hg19) VCF-style: chr6-56334907-A-G.
Other names: c.16119+19T>C (NM_001144769.5); c.22476+19T>C (NM_001374722.1); c.22503+19T>C (NM_001374734.1); c.15705+19T>C (NM_001144770.2); c.15258+19T>C (NM_001374730.1); c.15585+19T>C (NM_001386100.1, NM_183380.4); c.21516+19T>C (NM_001374729.1); c.14607+19T>C (NM_015548.5).
Identifiers: ClinVar variation 2155729 (VCV002155729.3), dbSNP rs954701679, ClinGen allele CA139168562.